The following is an entry in ClinVar:

ClinVar aggregate classification (germline): Uncertain significance. Review status: criteria provided, multiple submitters, no conflicts (2 of 4 stars). 2 submissions from 2 submitters: Uncertain significance (2). Last evaluated 2024-12-26.

Submissions (2):

GeneDx
Classification: Uncertain significance. Last evaluated: 2024-12-26. Review status: criteria provided, single submitter. Criteria: GeneDx Variant Classification Process June 2021. Collection method: clinical testing. Allele origin: germline. Affected: yes.
Comment: Not observed at significant frequency in large population cohorts (gnomAD); In silico analysis indicates that this variant does not alter protein structure/function; Has not been previously published as pathogenic or benign to our knowledge

Labcorp Genetics (formerly Invitae), Labcorp
Classification: Uncertain significance. Last evaluated: 2022-05-17. Review status: criteria provided, single submitter. Criteria: Invitae Variant Classification Sherloc (09022015). Collection method: clinical testing. Allele origin: germline.
Comment: This sequence change replaces histidine, which is basic and polar, with cysteine, which is neutral and slightly polar, at codon 2848 of the ZNF469 protein (p.His2848Cys). This variant is present in population databases (no rsID available, gnomAD 0.2%). This variant has not been reported in the literature in individuals affected with ZNF469-related conditions. Algorithms developed to predict the effect of missense changes on protein structure and function are either unavailable or do not agree on the potential impact of this missense change (SIFT: "Not Available"; PolyPhen-2: "Benign"; Align-GVGD: "Not Available"). In summary, the available evidence is currently insufficient to determine the role of this variant in disease. Therefore, it has been classified as a Variant of Uncertain Significance.

NM_001367624.2(ZNF469):c.8626_8627inv (p.His2876Cys)

Gene: ZNF469 (zinc finger protein 469; plus strand). Cytogenetic location: 16q24.2.
Variant type: Inversion.
Coding change: c.8626_8627inv on transcript NM_001367624.2 (MANE Select).
Protein change: p.His2876Cys; replaces histidine 2876 with cysteine.
Molecular consequence: missense variant.
Genome position: GRCh38 VCF-style: chr16-88436096-CA-TG. GRCh37 (hg19) VCF-style: chr16-88502504-CA-TG.
Other names: NM_001127464.1:c.8542_8543delinsTG; short protein forms H2876C.
Identifiers: ClinVar variation 1937831 (VCV001937831.3), ClinGen allele CA2580092480.